The following is an entry in ClinVar:

ClinVar aggregate classification (germline): Uncertain significance (1 of 4 stars; one submission).

Conditions:
Hereditary cancer-predisposing syndrome. Also called: Hereditary Cancer Syndrome; Hereditary neoplastic syndrome; Tumor predisposition; Neoplastic Syndromes, Hereditary. Identifiers: Orphanet 140162, MedGen C0027672, MeSH D009386, MONDO:0015356.

Allele frequency attached by ClinVar (database versions not stated): gnomAD exomes below 0.00001.
gnomAD v4.1: 1 of 1,612,028 alleles (0.000062%); highest among the groups gnomAD compares: African/African-American, 0.0013%; no homozygotes.

Submission:

Ambry Genetics
Classification: Uncertain significance for Hereditary cancer-predisposing syndrome. Last evaluated: 2022-02-22. Review status: criteria provided, single submitter. Criteria: Ambry Variant Classification Scheme 2023. Collection method: clinical testing. Allele origin: germline.
Comment: The p.L79R variant (also known as c.236T>G), located in coding exon 1 of the TMEM127 gene, results from a T to G substitution at nucleotide position 236. The leucine at codon 79 is replaced by arginine, an amino acid with dissimilar properties. This amino acid position is conserved. In addition, this alteration is predicted to be deleterious by in silico analysis. Since supporting evidence is limited at this time, the clinical significance of this alteration remains unclear.

NM_017849.4(TMEM127):c.236T>G (p.Leu79Arg)

Gene: TMEM127 (transmembrane protein 127; minus strand). Cytogenetic location: 2q11.2.
Variant type: single nucleotide variant.
Coding change: c.236T>G on transcript NM_017849.4 (MANE Select); coding-DNA position 236, T replaced by G.
Protein change: p.Leu79Arg; replaces leucine 79 with arginine.
Molecular consequence: missense variant.
Genome position (GRCh38, 1-based): chr2:96,265,146, A>C on the plus strand (T>G on the coding strand, the complement: TMEM127 is on the minus strand). VCF-style: chr2-96265146-A-C. GRCh37 (hg19) VCF-style: chr2-96930884-A-C.
Other names: c.236T>G, p.Leu79Arg (NM_001193304.3); short protein forms L79R.
Identifiers: ClinVar variation 1790280 (VCV001790280.2), dbSNP rs2467284907, ClinGen allele CA347655840.